The following is an entry in ClinVar:

NM_004817.4(TJP2):c.2215A>T (p.Ile739Leu)

Gene: TJP2 (tight junction protein 2; plus strand). Cytogenetic location: 9q21.11.
Variant type: single nucleotide variant.
Coding change: c.2215A>T on transcript NM_004817.4 (MANE Select); coding-DNA position 2215, A replaced by T.
Protein change: p.Ile739Leu; replaces isoleucine 739 with leucine.
Molecular consequence: missense variant.
Genome position (GRCh38, 1-based): chr9:69,237,913, A>T. VCF-style: chr9-69237913-A-T. GRCh37 (hg19) VCF-style: chr9-71852829-A-T.
Other names: c.2146A>T, p.Ile716Leu (NM_001170414.2, NM_001369871.1); c.2227A>T, p.Ile743Leu (NM_001170415.1, NM_001369874.1, NM_001369875.1); c.2308A>T, p.Ile770Leu (NM_001170416.2); c.2140A>T, p.Ile714Leu (NM_001369870.1); c.2215A>T, p.Ile739Leu (NM_001369872.1, NM_001369873.1, NM_201629.3); short protein forms I714L, I739L, I716L, I743L, I770L.
Identifiers: ClinVar variation 4733738 (VCV004733738.1).
Genomic context (GRCh38, chr9:69,237,913, plus strand): 5'-TTAATGGCCTTTCTTGTCATTTCAGCTGGTTTCAAGAGACCTGTGGTCTTATTCGGCCCC[A>T]TAGCTGATATAGCAATGGAAAAATTGGCTAATGAGTTACCTGACTGGTTTCAAACTGCTA-3'
Protein context (NP_004808.2, residues 729-749): FKRPVVLFGP[Ile739Leu]ADIAMEKLAN

ClinVar aggregate classification (germline): Uncertain significance (1 of 4 stars; one submission).

gnomAD v4.1: 4 of 1,613,880 alleles (0.00025%); highest among the groups gnomAD compares: Admixed American, 0.0017%; no homozygotes.

Submission:

Labcorp Genetics (formerly Invitae), Labcorp
Classification: Uncertain significance. Last evaluated: 2025-11-18. Review status: criteria provided, single submitter. Criteria: Invitae Variant Classification Sherloc (09022015). Collection method: clinical testing. Allele origin: germline.
Comment: This sequence change replaces isoleucine, which is neutral and non-polar, with leucine, which is neutral and non-polar, at codon 739 of the TJP2 protein (p.Ile739Leu). This variant is not present in population databases (gnomAD no frequency). This variant has not been reported in the literature in individuals affected with TJP2-related conditions. Invitae Evidence Modeling of protein sequence and biophysical properties (such as structural, functional, and spatial information, amino acid conservation, physicochemical variation, residue mobility, and thermodynamic stability) indicates that this missense variant is expected to disrupt TJP2 protein function with a positive predictive value of 80%. In summary, the available evidence is currently insufficient to determine the role of this variant in disease. Therefore, it has been classified as a Variant of Uncertain Significance.